The following is an entry in ClinVar:

ClinVar aggregate classification (germline): Uncertain significance (1 of 4 stars; one submission).

Submission:

GeneDx
Classification: Uncertain significance. Last evaluated: 2024-09-17. Review status: criteria provided, single submitter. Criteria: GeneDx Variant Classification Process June 2021. Collection method: clinical testing. Allele origin: germline. Affected: yes.
Comment: Not observed at significant frequency in large population cohorts (gnomAD); Frameshift variant predicted to result in protein truncation or nonsense mediated decay in a gene or region of a gene for which loss of function is not a well-established mechanism of disease; Has not been previously published as pathogenic or benign to our knowledge

NM_018117.12(WDR11):c.1439dup (p.Asn480fs)

Gene: WDR11 (WD repeat domain 11; plus strand). Cytogenetic location: 10q26.12.
Variant type: Duplication.
Coding change: c.1439dup on transcript NM_018117.12 (MANE Select); coding-DNA position 1439, one base duplicated (A; older notation c.1439dupA).
Protein change: p.Asn480fs; shifts the reading frame from asparagine 480.
Molecular consequence: frameshift variant.
Genome position (GRCh38, 1-based): chr10:120,871,314, A duplicated; the last of 6 consecutive A bases (chr10:120,871,309-120,871,314); duplicating any one gives the same sequence. VCF-style (leftmost placement, unchanged base first): chr10-120871308-C-CA. GRCh37 (hg19) VCF-style: chr10-122630820-C-CA.
Other names: short protein forms N480fs.
Identifiers: ClinVar variation 3769765 (VCV003769765.1).